The following is an entry in ClinVar:

NM_018723.4(RBFOX1):c.522G>C (p.Glu174Asp)

Gene: RBFOX1 (RNA binding fox-1 homolog 1; plus strand). Cytogenetic location: 16p13.3.
Variant type: single nucleotide variant.
Coding change: c.522G>C on transcript NM_018723.4 (MANE Select); coding-DNA position 522, G replaced by C.
Protein change: p.Glu174Asp; replaces glutamic acid 174 with aspartic acid.
Molecular consequence: missense variant.
Genome position (GRCh38, 1-based): chr16:7,595,602, G>C. VCF-style: chr16-7595602-G-C. GRCh37 (hg19) VCF-style: chr16-7645604-G-C.
Other names: c.522G>C, p.Glu174Asp (NM_001142333.2, NM_001142334.2, NM_001364800.2); c.651G>C, p.Glu217Asp (NM_001308117.1); c.582G>C, p.Glu194Asp (NM_145891.3, NM_145892.3, NM_145893.3); c.582G>C (NM_145891.2); short protein forms E217D, E174D, E194D.
Identifiers: ClinVar variation 1525938 (VCV001525938.9), dbSNP rs760159651, ClinGen allele CA277397700.

ClinVar aggregate classification (germline): Uncertain significance. Review status: criteria provided, multiple submitters, no conflicts (2 of 4 stars). 2 submissions from 2 submitters: Uncertain significance (2). Last evaluated 2026-02-28.

Conditions:
Idiopathic generalized epilepsy. Also called: Generalised epilepsy; EIG. Identifiers: MedGen C0270850, MONDO:0005579, OMIM 600669.
Inborn genetic diseases. Identifiers: MedGen C0950123, MeSH D030342.

Allele frequency attached by ClinVar (database versions not stated): TOPMed below 0.00001.
gnomAD v4.1: 3 of 1,574,564 alleles (0.00019%); highest among the groups gnomAD compares: African/African-American, 0.0041%; no homozygotes.

Submissions (2):

Ambry Genetics
Classification: Uncertain significance for Inborn genetic diseases. Last evaluated: 2026-02-28. Review status: criteria provided, single submitter. Criteria: Ambry Variant Classification Scheme 2023. Collection method: clinical testing. Allele origin: germline.

Labcorp Genetics (formerly Invitae), Labcorp
Classification: Uncertain significance for Idiopathic generalized epilepsy. Last evaluated: 2021-03-25. Review status: criteria provided, single submitter. Criteria: Invitae Variant Classification Sherloc (09022015). Collection method: clinical testing. Allele origin: germline.
Comment: In summary, the available evidence is currently insufficient to determine the role of this variant in disease. Therefore, it has been classified as a Variant of Uncertain Significance. Algorithms developed to predict the effect of missense changes on protein structure and function (SIFT, PolyPhen-2, Align-GVGD) all suggest that this variant is likely to be tolerated, but these predictions have not been confirmed by published functional studies and their clinical significance is uncertain. This variant has not been reported in the literature in individuals with RBFOX1-related conditions. This variant is not present in population databases (ExAC no frequency). This sequence change replaces glutamic acid with aspartic acid at codon 194 of the RBFOX1 protein (p.Glu194Asp). The glutamic acid residue is highly conserved and there is a small physicochemical difference between glutamic acid and aspartic acid.